The following is an entry in ClinVar:

NM_080680.3(COL11A2):c.4591G>A (p.Gly1531Arg)

Gene: COL11A2 (collagen type XI alpha 2 chain; minus strand). Cytogenetic location: 6p21.32.
Variant type: single nucleotide variant.
Coding change: c.4591G>A on transcript NM_080680.3 (MANE Select); coding-DNA position 4591, G replaced by A.
Protein change: p.Gly1531Arg; replaces glycine 1531 with arginine.
Molecular consequence: missense variant.
Genome position (GRCh38, 1-based): chr6:33,165,708, C>T on the plus strand (G>A on the coding strand, the complement: COL11A2 is on the minus strand). VCF-style: chr6-33165708-C-T. GRCh37 (hg19) VCF-style: chr6-33133485-C-T.
Other names: c.4411G>A, p.Gly1471Arg (NM_001424108.1); c.3745G>A, p.Gly1249Arg (NM_001424109.1); c.3565G>A, p.Gly1189Arg (NM_001424110.1, NM_001424111.1); c.2545G>A, p.Gly849Arg (NM_001424112.1); c.4270G>A, p.Gly1424Arg (NM_080679.3); c.4333G>A, p.Gly1445Arg (NM_080681.3); short protein forms G1189R, G1249R, G1424R, G1445R, G1471R, G1531R, G849R.
Identifiers: ClinVar variation 3625929 (VCV003625929.2).

ClinVar aggregate classification (germline): Uncertain significance (1 of 4 stars; one submission).

gnomAD v4.1: 23 of 1,610,948 alleles (0.0014%); highest among the groups gnomAD compares: African/African-American, 0.0027%; 1 homozygote.

Submission:

Labcorp Genetics (formerly Invitae), Labcorp
Classification: Uncertain significance. Last evaluated: 2024-08-31. Review status: criteria provided, single submitter. Criteria: Invitae Variant Classification Sherloc (09022015). Collection method: clinical testing. Allele origin: germline.
Comment: This sequence change replaces glycine, which is neutral and non-polar, with arginine, which is basic and polar, at codon 1531 of the COL11A2 protein (p.Gly1531Arg). This variant is present in population databases (no rsID available, gnomAD 0.003%). This variant has not been reported in the literature in individuals affected with COL11A2-related conditions. Invitae Evidence Modeling of protein sequence and biophysical properties (such as structural, functional, and spatial information, amino acid conservation, physicochemical variation, residue mobility, and thermodynamic stability) indicates that this missense variant is not expected to disrupt COL11A2 protein function with a negative predictive value of 95%. In summary, the available evidence is currently insufficient to determine the role of this variant in disease. Therefore, it has been classified as a Variant of Uncertain Significance.